The following is an entry in ClinVar:

ClinVar aggregate classification (germline): Uncertain significance (1 of 4 stars; one submission).

Submission:

CeGaT Center for Human Genetics Tuebingen
Classification: Uncertain significance. Last evaluated: 2025-12-01. Review status: criteria provided, single submitter. Criteria: CeGaT Center For Human Genetics Tuebingen Variant Classification Criteria Version 2. Collection method: clinical testing. Allele origin: germline. Affected: yes. Observed: 1 variant allele.
Comment: KCNC3: PM2, PP3

NM_004977.3(KCNC3):c.163C>T (p.Pro55Ser)

Gene: KCNC3 (potassium voltage-gated channel subfamily C member 3; minus strand). Cytogenetic location: 19q13.33.
Variant type: single nucleotide variant.
Coding change: c.163C>T on transcript NM_004977.3 (MANE Select); coding-DNA position 163, C replaced by T.
Protein change: p.Pro55Ser; replaces proline 55 with serine.
Molecular consequence: missense variant. On other transcripts: 5 prime UTR variant (1).
Genome position (GRCh38, 1-based): chr19:50,328,920, G>A on the plus strand (C>T on the coding strand, the complement: KCNC3 is on the minus strand). VCF-style: chr19-50328920-G-A. GRCh37 (hg19) VCF-style: chr19-50832177-G-A.
Other names: c.-66C>T (NM_001372305.1); short protein forms P55S.
Identifiers: ClinVar variation 4681800 (VCV004681800.5).